The following is an entry in ClinVar:

ClinVar aggregate classification (germline): Uncertain significance (1 of 4 stars; one submission).

Conditions:
Leydig cell agenesis. Also called: HYPERGONADOTROPIC HYPOGONADISM, MALE, DUE TO LHCGR DEFECT; Leydig cell hypoplasia, type 1; LEYDIG CELL HYPOPLASIA WITH MALE PSEUDOHERMAPHRODITISM; LEYDIG CELL HYPOPLASIA, COMPLETE. Identifiers: MedGen C0266432, MONDO:0009384, OMIM 238320.

Submission:

MVZ Medizinische Genetik Mainz
Classification: Uncertain significance for Leydig cell agenesis. Last evaluated: 2023-02-16. Review status: criteria provided, single submitter. Criteria: UK Practice Guidelines For Variant Classification V4 01 2020. Collection method: clinical testing. Allele origin: germline. Inheritance: Autosomal recessive inheritance. Affected: yes. Observed: 1 variant allele.
Comment: ACMG Criteria: PM3_SUP, PM2_SUP, PP3

NM_000233.4(LHCGR):c.589A>C (p.Thr197Pro)

Genes: LHCGR (luteinizing hormone/choriogonadotropin receptor; minus strand), STON1-GTF2A1L (STON1-GTF2A1L readthrough; plus strand). Cytogenetic location: 2p16.3.
Variant type: single nucleotide variant.
Coding change: c.589A>C on transcript NM_000233.4 (MANE Select); coding-DNA position 589, A replaced by C.
Protein change: p.Thr197Pro; replaces threonine 197 with proline.
Molecular consequence: missense variant. On other transcripts: intron variant (1).
Genome position (GRCh38, 1-based): chr2:48,714,002, T>G on the plus strand (A>C on the coding strand, the complement: LHCGR is on the minus strand). VCF-style: chr2-48714002-T-G. GRCh37 (hg19) VCF-style: chr2-48941141-T-G.
Other names: c.3441+42322T>G (NM_001198593.2); short protein forms T197P.
Identifiers: ClinVar variation 3068385 (VCV003068385.1), dbSNP rs2529810233, ClinGen allele CA346756865.
Genomic context (GRCh38, chr2:48,714,002, plus strand): 5'-ATTTCATTTTTATTCCTGAGCTGGGGAAATAAGCAAATACTTACAGTGAAGTCAGTGTCG[T>G]CCCATTGAATGCATGACTTTGTACTTCTTCAAATCCATTTCCATATAGTTTGCTGAAGGA-3'
Protein context (NP_000224.2, residues 187-207): EEVQSHAFNG[Thr197Pro]TLTSLELKEN